The following is an entry in ClinVar:

NM_014989.7(RIMS1):c.3767C>T (p.Ser1256Phe)

Gene: RIMS1 (regulating synaptic membrane exocytosis 1; plus strand). Cytogenetic location: 6q13.
Variant type: single nucleotide variant.
Coding change: c.3767C>T on transcript NM_014989.7 (MANE Select); coding-DNA position 3767, C replaced by T.
Protein change: p.Ser1256Phe; replaces serine 1256 with phenylalanine.
Molecular consequence: missense variant.
Genome position (GRCh38, 1-based): chr6:72,291,963, C>T. VCF-style: chr6-72291963-C-T. GRCh37 (hg19) VCF-style: chr6-73001666-C-T.
Other names: c.1658C>T, p.Ser553Phe (NM_001350414.2, NM_001350439.2, NM_001168408.2 and 2 more transcripts); c.1811C>T, p.Ser604Phe (NM_001350415.2, NM_001350445.2); c.1730C>T, p.Ser577Phe (NM_001350416.2, NM_001350417.2, NM_001350448.2); c.1733C>T, p.Ser578Phe (NM_001350418.2); c.1502C>T, p.Ser501Phe (NM_001350419.2, NM_001350423.2, NM_001350444.2); c.1841C>T, p.Ser614Phe (NM_001350420.2); c.1586C>T, p.Ser529Phe (NM_001350421.2, NM_001350450.2); c.1727C>T, p.Ser576Phe (NM_001350422.2, NM_001168407.2); and 31 more; short protein forms S472F, S496F, S523F, S537F, S554F, S556F, S577F, S578F.
Identifiers: ClinVar variation 1488599 (VCV001488599.6), dbSNP rs867013808, ClinGen allele CA364689587.

ClinVar aggregate classification (germline): Uncertain significance (1 of 4 stars; one submission).

Allele frequency attached by ClinVar (database versions not stated): gnomAD exomes 0.00001.
gnomAD v4.1: 1 of 1,562,930 alleles (0.000064%); highest among the groups gnomAD compares: Admixed American, 0.0019%; no homozygotes.

Submission:

Labcorp Genetics (formerly Invitae), Labcorp
Classification: Uncertain significance. Last evaluated: 2024-02-24. Review status: criteria provided, single submitter. Criteria: Invitae Variant Classification Sherloc (09022015). Collection method: clinical testing. Allele origin: germline.
Comment: This sequence change replaces serine, which is neutral and polar, with phenylalanine, which is neutral and non-polar, at codon 1256 of the RIMS1 protein (p.Ser1256Phe). This variant is not present in population databases (gnomAD no frequency). This variant has not been reported in the literature in individuals affected with RIMS1-related conditions. ClinVar contains an entry for this variant (Variation ID: 1488599). An algorithm developed to predict the effect of missense changes on protein structure and function (PolyPhen-2) suggests that this variant is likely to be disruptive. In summary, the available evidence is currently insufficient to determine the role of this variant in disease. Therefore, it has been classified as a Variant of Uncertain Significance.